The following is an entry in ClinVar:

NM_001040108.2(MLH3):c.3841A>C (p.Asn1281His)

Gene: MLH3 (mutL homolog 3; minus strand). Cytogenetic location: 14q24.3.
Variant type: single nucleotide variant.
Coding change: c.3841A>C on transcript NM_001040108.2 (MANE Select); coding-DNA position 3841, A replaced by C.
Protein change: p.Asn1281His; replaces asparagine 1281 with histidine.
Molecular consequence: missense variant.
Genome position (GRCh38, 1-based): chr14:75,030,689, T>G on the plus strand (A>C on the coding strand, the complement: MLH3 is on the minus strand). VCF-style: chr14-75030689-T-G. GRCh37 (hg19) VCF-style: chr14-75497392-T-G.
Other names: c.3769A>C, p.Asn1257His (NM_014381.3); short protein forms N1281H, N1257H.
Identifiers: ClinVar variation 3396785 (VCV003396785.1).
Genomic context (GRCh38, chr14:75,030,689, plus strand): 5'-CAAGGACCAGAGAATCACTAGTGTCTGGAAATACAAATTCAAGGCCCAGATCTTCCAGAT[T>G]TTTGTGGTAACACCTAAAGAGATAACCTCAAATGTTAAAAAAAAAAAGAGTGCTACTTCA-3'
Protein context (NP_001035197.1, residues 1271-1291): QRRLLWCYHK[Asn1281His]LEDLGLEFVF

ClinVar aggregate classification (germline): Uncertain significance (1 of 4 stars; one submission).

Submission:

Ambry Genetics
Classification: Uncertain significance. Last evaluated: 2024-12-04. Review status: criteria provided, single submitter. Criteria: Ambry Variant Classification Scheme 2023. Collection method: clinical testing. Allele origin: germline.
Comment: The p.N1281H variant (also known as c.3841A>C), located in coding exon 8 of the MLH3 gene, results from an A to C substitution at nucleotide position 3841. The asparagine at codon 1281 is replaced by histidine, an amino acid with similar properties. This amino acid position is conserved. In addition, this alteration is predicted to be tolerated by in silico analysis. Based on the available evidence, the clinical significance of this variant remains unclear.